The following is an entry in ClinVar:

ClinVar aggregate classification (germline): Uncertain significance (1 of 4 stars; one submission).

Conditions:
Global developmental delay with or without impaired intellectual development. Identifiers: MedGen C5193032, MONDO:0032680, OMIM 618330.

Allele frequency attached by ClinVar (database versions not stated): gnomAD exomes 0.00001.
gnomAD v4.1: 12 of 1,603,054 alleles (0.00075%); highest among the groups gnomAD compares: African/African-American, 0.0013%; no homozygotes.

Submission:

Victorian Clinical Genetics Services, Murdoch Childrens Research Institute
Classification: Uncertain significance for Global developmental delay with or without impaired intellectual development. Last evaluated: 2023-12-21. Review status: criteria provided, single submitter. Criteria: ACMG Guidelines, 2015. Collection method: clinical testing. Allele origin: germline. Inheritance: Autosomal dominant inheritance. Affected: yes.
Comment: Based on the classification scheme VCGS_Germline_v1.3.4, this variant is classified as VUS-3A. Following criteria are met: 0102 - Loss of function is a known mechanism of disease in this gene and is associated with global developmental delay with or without impaired intellectual development (MIM#618330). (I) 0107 - This gene is associated with autosomal dominant disease. (I) 0211 - Canonical splice site variant without proven consequence on splicing (no functional evidence available). (SP) 0219 - This variant is non-coding in an alternative transcript (UCSC). This variant is non-coding and not in a splice site in the ClinVar predominant and MANE select transcript for this gene (NM_181552.4). However, it is in a canonical splice site in the MANE Plus Clinical transcript (NM_001913.4) which is highly expressed in GTEx. (I) 0251 - This variant is heterozygous. (I) 0301 - Variant is absent from gnomAD (both v2 and v3). (SP) 0505 - Abnormal splicing is predicted by in silico tools and affected nucleotide is highly conserved. (SP) 0704 - Another splice variant comparable to the one identified in this case has limited previous evidence for pathogenicity. An alternative nucleotide substitution at the same canonical splice site, c.1681-1G>A, has previously been reported as likely pathogenic (ClinVar). (SP) 0807 - This variant has no previous evidence of pathogenicity. (I) 0905 - No published segregation evidence has been identified for this variant. (I) 1007 - No published functional evidence has been identified for this variant. (I) Legend: (SP) - Supporting pathogenic, (I) - Information, (SB) - Supporting benign

NM_001913.5(CUX1):c.1681-1G>C

Gene: CUX1 (cut like homeobox 1; plus strand). Cytogenetic location: 7q22.1.
Variant type: single nucleotide variant.
Coding change: c.1681-1G>C on transcript NM_001913.5 (MANE Plus Clinical); the canonical splice acceptor site of the intron before coding-DNA position 1681, G replaced by C.
Molecular consequence: splice acceptor variant.
Genome position (GRCh38, 1-based): chr7:102,280,036, G>C. VCF-style: chr7-102280036-G-C. GRCh37 (hg19) VCF-style: chr7-101923328-G-C.
Other names: c.1675-1G>C (NM_181500.4); c.1543-1G>C (NM_001202545.3); c.1633-1G>C (NM_001202544.3); c.1564-1G>C (NM_001202546.3).
Identifiers: ClinVar variation 3254975 (VCV003254975.1), dbSNP rs1462658824.
Genomic context (GRCh38, chr7:102,280,036, plus strand): 5'-CTGCCCTTCCCGCTGGGCCCCAAGGCACTGACTGGTTCTCTTCCCCTCCCTGTCTGTGCA[G>C]GGCAGCGGCAGTGATGACACGGAGCTGCGGTACTCGTCCCAGTACGAGGAGCGCCTGGAC-3'